The following is an entry in ClinVar:

ClinVar aggregate classification (germline): Uncertain significance (1 of 4 stars; one submission).

Conditions:
Bethlem myopathy 1A. Also called: Bethlem Muscular Dystrophy; MYOPATHY, BENIGN CONGENITAL, WITH CONTRACTURES; Bethlem myopathy 1. Identifiers: Orphanet 610, MedGen CN029274, MONDO:0024530, OMIM 158810.

gnomAD v4.1: 4 of 1,606,120 alleles (0.00025%); highest among the groups gnomAD compares: Non-Finnish European, 0.00034%; no homozygotes.

Submission:

Labcorp Genetics (formerly Invitae), Labcorp
Classification: Uncertain significance for Bethlem myopathy 1A. Last evaluated: 2020-04-28. Review status: criteria provided, single submitter. Criteria: Invitae Variant Classification Sherloc (09022015). Collection method: clinical testing. Allele origin: germline.
Comment: This sequence change replaces glutamine with proline at codon 826 of the COL6A2 protein (p.Gln826Pro). The glutamine residue is moderately conserved and there is a moderate physicochemical difference between glutamine and proline. This variant is not present in population databases (ExAC no frequency). This variant has not been reported in the literature in individuals with COL6A2-related conditions. Algorithms developed to predict the effect of missense changes on protein structure and function are either unavailable or do not agree on the potential impact of this missense change (SIFT: "Tolerated"; PolyPhen-2: "Possibly Damaging"; Align-GVGD: "Class C0"). In summary, the available evidence is currently insufficient to determine the role of this variant in disease. Therefore, it has been classified as a Variant of Uncertain Significance.

NM_001849.4(COL6A2):c.2477A>C (p.Gln826Pro)

Gene: COL6A2 (collagen type VI alpha 2 chain; plus strand). Cytogenetic location: 21q22.3.
Variant type: single nucleotide variant.
Coding change: c.2477A>C on transcript NM_001849.4 (MANE Select); coding-DNA position 2477, A replaced by C.
Protein change: p.Gln826Pro; replaces glutamine 826 with proline.
Molecular consequence: missense variant.
Genome position (GRCh38, 1-based): chr21:46,131,969, A>C. VCF-style: chr21-46131969-A-C. GRCh37 (hg19) VCF-style: chr21-47551883-A-C.
Other names: short protein forms Q826P.
Identifiers: ClinVar variation 1040730 (VCV001040730.11), dbSNP rs2078765932, ClinGen allele CA410547860.